The following is an entry in ClinVar:

NM_005591.4(MRE11):c.1783+1G>A

Gene: MRE11 (MRE11 double strand break repair nuclease; minus strand). Cytogenetic location: 11q21.
Variant type: single nucleotide variant.
Coding change: c.1783+1G>A on transcript NM_005591.4 (MANE Select); the canonical splice donor site of the intron after coding-DNA position 1783, G replaced by A.
Molecular consequence: splice donor variant.
Genome position (GRCh38, 1-based): chr11:94,447,218, C>T on the plus strand (G>A on the coding strand, the complement: MRE11 is on the minus strand). VCF-style: chr11-94447218-C-T. GRCh37 (hg19) VCF-style: chr11-94180384-C-T.
Other names: c.1783+1G>A (NM_001330347.2, NM_005590.4).
Identifiers: ClinVar variation 1799595 (VCV001799595.6), dbSNP rs2496292658, ClinGen allele CA382368018.

ClinVar aggregate classification (germline): Likely pathogenic. Review status: criteria provided, multiple submitters, no conflicts (2 of 4 stars). 3 submissions from 3 submitters: Likely pathogenic (3). Last evaluated 2023-02-26.

Conditions:
Hereditary cancer-predisposing syndrome. Also called: Neoplastic Syndromes, Hereditary; Tumor predisposition; Hereditary Cancer Syndrome; Hereditary neoplastic syndrome. Identifiers: Orphanet 140162, MedGen C0027672, MeSH D009386, MONDO:0015356.
Ataxia-telangiectasia-like disorder 1 (ATLD1). Identifiers: Orphanet 251347, MedGen C4012790, MONDO:0024557, OMIM 604391.

Allele frequency attached by ClinVar (database versions not stated): gnomAD exomes below 0.00001.

Submissions (3):

Baylor Genetics
Classification: Likely pathogenic for Ataxia-telangiectasia-like disorder 1. Last evaluated: 2023-02-26. Review status: criteria provided, single submitter. Criteria: ACMG Guidelines, 2015. Collection method: clinical testing. Allele origin: unknown.

Human Genome Lab, NIMHANS, National Institute of Mental Health and Neuro Sciences
Classification: Likely pathogenic for Ataxia-telangiectasia-like disorder 1. Last evaluated: 2022-07-26. Review status: criteria provided, single submitter. Criteria: ACMG Guidelines, 2015. Collection method: clinical testing. Allele origin: unknown. Inheritance: Autosomal recessive inheritance. Affected: yes. Observed: 1 homozygote.
Comment: Imaging findings showed pancerebellar atrophy. The variant is novel (not observed in any individuals in 1KG, gnomAD and our inhouse database of 2264 individuals). This variant mutates a splice-donor sequence, potentially resulting in the retention of large segments of intronic DNA by the mRNA and nonfunctional proteins. This variant results in the loss of an donor splice site for the clinically relevant transcript. This variant disrupts the donor splice site for an exon upstream from the penultimate exon junction and is therefore predicted to cause nonsense mediated decay. The c.1783+1G>A variant is a loss of function variant in the gene MRE11, which is intolerant of Loss of Function variants, as indicated by the presence of existing pathogenic loss of function variant NP_005582.1:p.L57* and 50 others. In addition, the clinical phenotype of the proband partially matches with that of the disorder caused by pathogenic variants in the gene MRE11. For these reasons, this variant has been classified as Likely Pathogenic.

Ambry Genetics
Classification: Likely pathogenic for Hereditary cancer-predisposing syndrome. Last evaluated: 2019-08-27. Review status: criteria provided, single submitter. Criteria: Ambry Variant Classification Scheme 2023. Collection method: clinical testing. Allele origin: germline.
Comment: The c.1783+1G>A intronic variant results from a G to A substitution one nucleotide after coding exon 14 of the MRE11A gene. This nucleotide position is highly conserved in available vertebrate species. Using the BDGP and ESEfinder splice site prediction tools, this alteration is predicted to abolish the native splice donor site; however, direct evidence is unavailable. Alterations that disrupt the canonical splice site are expected to cause aberrant splicing, resulting in an abnormal protein or a transcript that is subject to nonsense-mediated mRNA decay. As such, this alteration is classified as likely pathogenic.